The following is an entry in ClinVar:

NM_024420.3(PLA2G4A):c.2152T>C (p.Tyr718His)

Gene: PLA2G4A (phospholipase A2 group IVA; plus strand). Cytogenetic location: 1q31.1.
Variant type: single nucleotide variant.
Coding change: c.2152T>C on transcript NM_024420.3 (MANE Select); coding-DNA position 2152, T replaced by C.
Protein change: p.Tyr718His; replaces tyrosine 718 with histidine.
Molecular consequence: missense variant.
Genome position (GRCh38, 1-based): chr1:186,988,410, T>C. VCF-style: chr1-186988410-T-C. GRCh37 (hg19) VCF-style: chr1-186957542-T-C.
Other names: c.1972T>C, p.Tyr658His (NM_001311193.2); short protein forms Y658H, Y718H.
Identifiers: ClinVar variation 4084638 (VCV004084638.8).

ClinVar aggregate classification (germline): Uncertain significance (1 of 4 stars; one submission).

gnomAD v4.1: 11 of 1,611,916 alleles (0.00068%); highest among the groups gnomAD compares: Non-Finnish European, 0.00093%; no homozygotes.

Submission:

CeGaT Center for Human Genetics Tuebingen
Classification: Uncertain significance. Last evaluated: 2025-06-01. Review status: criteria provided, single submitter. Criteria: CeGaT Center For Human Genetics Tuebingen Variant Classification Criteria Version 2. Collection method: clinical testing. Allele origin: germline. Affected: yes. Observed: 1 variant allele.
Comment: PLA2G4A: PM2